The following is an entry in ClinVar:

ClinVar aggregate classification (germline): Conflicting classifications of pathogenicity. Review status: criteria provided, conflicting classifications (1 of 4 stars). 3 submissions from 3 submitters: Uncertain significance (2); Likely benign (1). Last evaluated 2026-01-11.

Conditions:
Hereditary cancer-predisposing syndrome. Also called: Hereditary Cancer Syndrome; Hereditary neoplastic syndrome; Tumor predisposition; Neoplastic Syndromes, Hereditary. Identifiers: Orphanet 140162, MedGen C0027672, MeSH D009386, MONDO:0015356.

Allele frequency attached by ClinVar (database versions not stated): gnomAD 0.00001; TOPMed 0.00001.

Submissions (3):

Labcorp Genetics (formerly Invitae), Labcorp
Classification: Uncertain significance. Last evaluated: 2026-01-11. Review status: criteria provided, single submitter. Criteria: Invitae Variant Classification Sherloc (09022015). Collection method: clinical testing. Allele origin: germline.
Comment: This sequence change replaces alanine, which is neutral and non-polar, with threonine, which is neutral and polar, at codon 106 of the CTNNA1 protein (p.Ala106Thr). This variant is present in population databases (rs746920603, gnomAD 0.003%). This variant has not been reported in the literature in individuals affected with CTNNA1-related conditions. ClinVar contains an entry for this variant (Variation ID: 661024). Invitae Evidence Modeling of protein sequence and biophysical properties (such as structural, functional, and spatial information, amino acid conservation, physicochemical variation, residue mobility, and thermodynamic stability) indicates that this missense variant is not expected to disrupt CTNNA1 protein function with a negative predictive value of 80%. In summary, the available evidence is currently insufficient to determine the role of this variant in disease. Therefore, it has been classified as a Variant of Uncertain Significance.

GeneDx
Classification: Uncertain significance. Last evaluated: 2023-06-06. Review status: criteria provided, single submitter. Criteria: GeneDx Variant Classification Process June 2021. Collection method: clinical testing. Allele origin: germline.
Comment: Not observed at significant frequency in large population cohorts (gnomAD); In silico analysis supports that this missense variant does not alter protein structure/function; Identified in individuals referred for hereditary cancer testing (Clark et al., 2020); This variant is associated with the following publications: (PMID: 32051609)

Ambry Genetics
Classification: Likely benign for Hereditary cancer-predisposing syndrome. Last evaluated: 2018-11-06. Review status: criteria provided, single submitter. Criteria: Ambry Variant Classification Scheme 2023. Collection method: clinical testing. Allele origin: germline.

NM_001903.5(CTNNA1):c.316G>A (p.Ala106Thr)

Gene: CTNNA1 (catenin alpha 1; plus strand). Cytogenetic location: 5q31.2.
Variant type: single nucleotide variant.
Coding change: c.316G>A on transcript NM_001903.5 (MANE Select); coding-DNA position 316, G replaced by A.
Protein change: p.Ala106Thr; replaces alanine 106 with threonine.
Molecular consequence: missense variant. On other transcripts: intron variant (1).
Genome position (GRCh38, 1-based): chr5:138,810,052, G>A. VCF-style: chr5-138810052-G-A. GRCh37 (hg19) VCF-style: chr5-138145741-G-A.
Other names: c.316G>A, p.Ala106Thr (NM_001290307.3, NM_001323982.2, NM_001323983.1 and 3 more transcripts); c.7G>A, p.Ala3Thr (NM_001290309.3); c.-5-49G>A (NM_001290310.3); short protein forms A106T, A3T.
Identifiers: ClinVar variation 661024 (VCV000661024.15), dbSNP rs746920603, ClinGen allele CA3431418.